The following is an entry in ClinVar:

NM_000243.3(MEFV):c.2332C>T (p.Gln778Ter)

Gene: MEFV (MEFV innate immunity regulator, pyrin; minus strand). Cytogenetic location: 16p13.3.
Variant type: single nucleotide variant.
Coding change: c.2332C>T on transcript NM_000243.3 (MANE Select); coding-DNA position 2332, C replaced by T.
Protein change: p.Gln778Ter; replaces glutamine 778 with a stop codon.
Molecular consequence: nonsense. On other transcripts: 3 prime UTR variant (1).
Genome position (GRCh38, 1-based): chr16:3,243,155, G>A on the plus strand (C>T on the coding strand, the complement: MEFV is on the minus strand). VCF-style: chr16-3243155-G-A. GRCh37 (hg19) VCF-style: chr16-3293155-G-A.
Other names: c.*536C>T (NM_001198536.2); short protein forms Q778*.
Identifiers: ClinVar variation 1683233 (VCV001683233.4), dbSNP rs1366885918, ClinGen allele CA394484254.

ClinVar aggregate classification (germline): Uncertain significance. Review status: criteria provided, multiple submitters, no conflicts (2 of 4 stars). 2 submissions from 2 submitters: Uncertain significance (2). Last evaluated 2026-01-19.

Conditions:
Familial Mediterranean fever (FMF). Also called: POLYSEROSITIS, FAMILIAL PAROXYSMAL; POLYSEROSITIS, RECURRENT; Periodic peritonitis; Benign paroxysmal peritonitis. Identifiers: Orphanet 342, MedGen C0031069, MONDO:0018088, OMIM 249100. Disease mechanism: gain of function.

Submissions (2):

Labcorp Genetics (formerly Invitae), Labcorp
Classification: Uncertain significance for Familial Mediterranean fever. Last evaluated: 2026-01-19. Review status: criteria provided, single submitter. Criteria: Invitae Variant Classification Sherloc (09022015). Collection method: clinical testing. Allele origin: germline.
Comment: This sequence change creates a premature translational stop signal (p.Gln778*) in the MEFV gene. While this is not anticipated to result in nonsense mediated decay, it is expected to disrupt the last 4 amino acid(s) of the MEFV protein. This variant is not present in population databases (gnomAD no frequency). This variant has not been reported in the literature in individuals affected with MEFV-related conditions. ClinVar contains an entry for this variant (Variation ID: 1683233). In summary, the available evidence is currently insufficient to determine the role of this variant in disease. Therefore, it has been classified as a Variant of Uncertain Significance.

Women's Health and Genetics/Laboratory Corporation of America, LabCorp
Classification: Uncertain significance. Last evaluated: 2022-04-21. Review status: criteria provided, single submitter. Criteria: LabCorp Variant Classification Summary - May 2015. Collection method: clinical testing. Allele origin: germline.
Comment: Variant summary: MEFV c.2332C>T (p.Gln778X) results in a premature termination codon, predicted to cause a truncation of the encoded protein. This truncation variant is close to the stop codon (782) and truncation variants stream of this position have not been classified. The variant was absent in 251326 control chromosomes. To our knowledge, no occurrence of c.2332C>T in individuals affected with Familial Mediterranean Fever and no experimental evidence demonstrating its impact on protein function have been reported. No clinical diagnostic laboratories have submitted clinical-significance assessments for this variant to ClinVar after 2014. However, truncation variants nearby have been classified as VUS in ClinVar. Based on the evidence outlined above, the variant was classified as VUS.